The following is an entry in ClinVar:

NM_000428.3(LTBP2):c.3681G>A (p.Pro1227=)

Gene: LTBP2 (latent transforming growth factor beta binding protein 2; minus strand). Cytogenetic location: 14q24.3.
Variant type: single nucleotide variant.
Coding change: c.3681G>A on transcript NM_000428.3 (MANE Select); coding-DNA position 3681, G replaced by A.
Protein change: p.Pro1227=; no amino-acid change (proline 1227 retained).
Molecular consequence: synonymous variant.
Genome position (GRCh38, 1-based): chr14:74,508,067, C>T on the plus strand (G>A on the coding strand, the complement: LTBP2 is on the minus strand). VCF-style: chr14-74508067-C-T. GRCh37 (hg19) VCF-style: chr14-74974770-C-T.
Other names: c.3681G>A (NM_000428.2).
Identifiers: ClinVar variation 1582184 (VCV001582184.11), dbSNP rs368214877, ClinGen allele CA7269066.

ClinVar aggregate classification (germline): Likely benign. Review status: criteria provided, single submitter (1 of 4 stars). 2 submissions from 2 submitters: Likely benign (1). 1 of the submissions does not count toward it. Last evaluated 2025-11-15.

Conditions:
LTBP2-related disorder. Also called: LTBP2-related condition; LTBP2-related disorders.

Allele frequency attached by ClinVar (database versions not stated): ExAC 0.00004; gnomAD exomes 0.00004; TOPMed 0.00004; gnomAD 0.00005; ESP Exome Variant Server 0.00015.
gnomAD v4.1: 85 of 1,613,760 alleles (0.0053%); highest among the groups gnomAD compares: Non-Finnish European, 0.0066%; no homozygotes.

Submissions (2):

Labcorp Genetics (formerly Invitae), Labcorp
Classification: Likely benign. Last evaluated: 2025-11-15. Review status: criteria provided, single submitter. Criteria: Invitae Variant Classification Sherloc (09022015). Collection method: clinical testing. Allele origin: germline.

PreventionGenetics, part of Exact Sciences
Classification: Likely benign for LTBP2-related condition. Last evaluated: 2019-10-21. Review status: no assertion criteria provided. Collection method: clinical testing. Allele origin: germline. Not counted in ClinVar's aggregate classification.
Comment: This variant is classified as likely benign based on ACMG/AMP sequence variant interpretation guidelines (Richards et al. 2015 PMID: 25741868, with internal and published modifications).